The following is an entry in ClinVar:

NM_001242896.3(DEPDC5):c.1870G>C (p.Gly624Arg)

Gene: DEPDC5 (DEP domain containing 5, GATOR1 subcomplex subunit; plus strand). Cytogenetic location: 22q12.3.
Variant type: single nucleotide variant.
Coding change: c.1870G>C on transcript NM_001242896.3 (MANE Select); coding-DNA position 1870, G replaced by C.
Protein change: p.Gly624Arg; replaces glycine 624 with arginine.
Molecular consequence: missense variant. On other transcripts: non-coding transcript variant (5).
Genome position (GRCh38, 1-based): chr22:31,819,225, G>C. VCF-style: chr22-31819225-G-C. GRCh37 (hg19) VCF-style: chr22-32215211-G-C.
Other names: c.1870G>C, p.Gly624Arg (NM_001136029.4, NM_001242897.2, NM_001363852.2 and 6 more transcripts); c.1786G>C, p.Gly596Arg (NM_001369901.1, NM_001369902.1); short protein forms G596R, G624R.
Identifiers: ClinVar variation 2851424 (VCV002851424.3), dbSNP rs2519379297, ClinGen allele CA411281341.
Genomic context (GRCh38, chr22:31,819,225, plus strand): 5'-TCTCGGATGCCCATGAAGCTTACGTCCAACAGAAGGCGCTGGATGCACACTTTTCCTGTG[G>C]GTAAGTTGGTTGCTTAAGAGAGAGCCTTGGACTAGGAGCTCCTAGCCCTGGTCCTCAGTG-3'
Protein context (NP_001229825.1, residues 614-634): RRRWMHTFPV[Gly624Arg]PSGEAIQIHH

ClinVar aggregate classification (germline): Uncertain significance (1 of 4 stars; one submission).

Conditions:
Familial focal epilepsy with variable foci (FPEVF). Identifiers: Orphanet 98820, MedGen C1858477, MONDO:0020310.

Submission:

Labcorp Genetics (formerly Invitae), Labcorp
Classification: Uncertain significance for Familial focal epilepsy with variable foci. Last evaluated: 2023-04-01. Review status: criteria provided, single submitter. Criteria: Invitae Variant Classification Sherloc (09022015). Collection method: clinical testing. Allele origin: germline.
Comment: This sequence change replaces glycine, which is neutral and non-polar, with arginine, which is basic and polar, at codon 624 of the DEPDC5 protein (p.Gly624Arg). This variant also falls at the last nucleotide of exon 22, which is part of the consensus splice site for this exon. This variant is not present in population databases (gnomAD no frequency). This variant has not been reported in the literature in individuals affected with DEPDC5-related conditions. Experimental studies and prediction algorithms are not available or were not evaluated, and the functional significance of this variant is currently unknown. Variants that disrupt the consensus splice site are a relatively common cause of aberrant splicing (PMID: 17576681, 9536098). Algorithms developed to predict the effect of sequence changes on RNA splicing suggest that this variant may disrupt the consensus splice site. In summary, the available evidence is currently insufficient to determine the role of this variant in disease. Therefore, it has been classified as a Variant of Uncertain Significance.

Literature cited by the submitters: PubMed 17576681; PubMed 9536098.